The following is an entry in ClinVar:

ClinVar aggregate classification (germline): Uncertain significance. Review status: criteria provided, multiple submitters, no conflicts (2 of 4 stars). 4 submissions from 4 submitters: Uncertain significance (3). 1 of the submissions does not count toward it. Last evaluated 2022-06-13.

Conditions:
Charcot-Marie-Tooth disease type 4D. Also called: NEUROPATHY, HEREDITARY MOTOR AND SENSORY, LOM TYPE; CHARCOT-MARIE-TOOTH DISEASE, DEMYELINATING, TYPE 4D; CHARCOT-MARIE-TOOTH DISEASE, DEMYELINATING, AUTOSOMAL RECESSIVE, TYPE 4D; Charcot-Marie-Tooth Neuropathy Type 4D. Identifiers: Orphanet 99950, MedGen C1832334, MONDO:0011085, OMIM 601455.
Inborn genetic diseases. Identifiers: MedGen C0950123, MeSH D030342.
Charcot-Marie-Tooth disease. Also called: Charcot-Marie-Tooth Hereditary Neuropathy; Charcot-Marie-Tooth Neuropathy. Identifiers: Orphanet 166, MedGen C0007959, MONDO:0015626.
Charcot-Marie-Tooth disease type 4. Also called: Charcot-Marie-Tooth, Type 4; Charcot-Marie-Tooth disease, type IV. Identifiers: Orphanet 64749, MedGen C4082197, MONDO:0018995.

Allele frequency attached by ClinVar (database versions not stated): gnomAD exomes below 0.00001 and 0.00002; ExAC 0.00001; gnomAD 0.00001; TOPMed 0.00001.
gnomAD v4.1: 34 of 1,614,092 alleles (0.0021%); highest among the groups gnomAD compares: Middle Eastern, 0.016%; no homozygotes.

Submissions (4):

Labcorp Genetics (formerly Invitae), Labcorp
Classification: Uncertain significance for Charcot-Marie-Tooth disease type 4. Last evaluated: 2022-06-13. Review status: criteria provided, single submitter. Criteria: Invitae Variant Classification Sherloc (09022015). Collection method: clinical testing. Allele origin: germline.
Comment: This sequence change replaces isoleucine, which is neutral and non-polar, with threonine, which is neutral and polar, at codon 163 of the NDRG1 protein (p.Ile163Thr). This variant is present in population databases (rs748782766, gnomAD 0.007%). This missense change has been observed in individual(s) with NDRG1-related conditions (PMID: 32376792). ClinVar contains an entry for this variant (Variation ID: 916897). Algorithms developed to predict the effect of missense changes on protein structure and function are either unavailable or do not agree on the potential impact of this missense change (SIFT: "Deleterious"; PolyPhen-2: "Possibly Damaging"; Align-GVGD: "Class C0"). In summary, the available evidence is currently insufficient to determine the role of this variant in disease. Therefore, it has been classified as a Variant of Uncertain Significance.

Ambry Genetics
Classification: Uncertain significance for Inborn genetic diseases. Last evaluated: 2020-03-25. Review status: criteria provided, single submitter. Criteria: Ambry Variant Classification Scheme 2023. Collection method: clinical testing. Allele origin: germline.
Comment: The p.I163T variant (also known as c.488T>C), located in coding exon 7 of the NDRG1 gene, results from a T to C substitution at nucleotide position 488. The isoleucine at codon 163 is replaced by threonine, an amino acid with similar properties. This amino acid position is well conserved in available vertebrate species. In addition, this alteration is predicted to be deleterious by in silico analysis. Since supporting evidence is limited at this time, the clinical significance of this alteration remains unclear.

Molecular Genetics Laboratory, London Health Sciences Centre
Classification: Uncertain significance for Charcot-Marie-Tooth disease. Review status: criteria provided, single submitter. Criteria: ACMG Guidelines, 2015. Collection method: clinical testing. Allele origin: germline. Affected: yes.

Natera, Inc.
Classification: Uncertain significance for Charcot-Marie-Tooth disease type 4D. Last evaluated: 2020-11-04. Review status: no assertion criteria provided. Collection method: clinical testing. Allele origin: germline. Not counted in ClinVar's aggregate classification.

Literature cited by the submitters: PubMed 32376792 (cited by Labcorp Genetics (formerly Invitae), Labcorp).

NM_006096.4(NDRG1):c.488T>C (p.Ile163Thr)

Gene: NDRG1 (N-myc downstream regulated 1; minus strand). Cytogenetic location: 8q24.22.
Variant type: single nucleotide variant.
Coding change: c.488T>C on transcript NM_006096.4 (MANE Select); coding-DNA position 488, T replaced by C.
Protein change: p.Ile163Thr; replaces isoleucine 163 with threonine.
Molecular consequence: missense variant.
Genome position (GRCh38, 1-based): chr8:133,256,826, A>G on the plus strand (T>C on the coding strand, the complement: NDRG1 is on the minus strand). VCF-style: chr8-133256826-A-G. GRCh37 (hg19) VCF-style: chr8-134269069-A-G.
Other names: c.488T>C, p.Ile163Thr (NM_001135242.2, NM_001374844.1, NM_001374845.1 and 1 more transcripts); c.290T>C, p.Ile97Thr (NM_001258432.2, NM_001374847.1); c.245T>C, p.Ile82Thr (NM_001258433.2); short protein forms I163T, I82T, I97T.
Identifiers: ClinVar variation 916897 (VCV000916897.11), dbSNP rs748782766, ClinGen allele CA4886730.
Genomic context (GRCh38, chr8:133,256,826, plus strand): 5'-CCCCACCTCACCTTGGAGGCGGCCCAGTCCATCCAGCCTTCCGCACAAGGGTTCACGTTG[A>G]TAAGGACAAGGCCCTCCACCATCTCAGGGTTGTTTAGCTGCAATTCAAGACACAAAGTGA-3'
Protein context (NP_006087.2, residues 153-173): NPEMVEGLVL[Ile163Thr]NVNPCAEGWM